The following is an entry in ClinVar:

NM_000383.4(AIRE):c.619G>A (p.Glu207Lys)

Gene: AIRE (autoimmune regulator; plus strand). Cytogenetic location: 21q22.3.
Variant type: single nucleotide variant.
Coding change: c.619G>A on transcript NM_000383.4 (MANE Select); coding-DNA position 619, G replaced by A.
Protein change: p.Glu207Lys; replaces glutamic acid 207 with lysine.
Molecular consequence: missense variant.
Genome position (GRCh38, 1-based): chr21:44,288,425, G>A. VCF-style: chr21-44288425-G-A. GRCh37 (hg19) VCF-style: chr21-45708308-G-A.
Other names: short protein forms E207K.
Identifiers: ClinVar variation 2267502 (VCV002267502.3), dbSNP rs745459635, ClinGen allele CA10051644.

ClinVar aggregate classification (germline): Uncertain significance. Review status: criteria provided, multiple submitters, no conflicts (2 of 4 stars). 2 submissions from 2 submitters: Uncertain significance (2). Last evaluated 2023-12-15.

Conditions:
Polyglandular autoimmune syndrome, type 1 (APS1). Also called: Autoimmune polyendocrine syndrome type 1; Whitaker syndrome; Autoimmune polyendocrinopathy syndrome , type I, with or without reversible metaphyseal dysplasia; HYPOADRENOCORTICISM WITH HYPOPARATHYROIDISM AND SUPERFICIAL MONILIASIS; AUTOIMMUNE POLYENDOCRINE SYNDROME, TYPE I, WITH OR WITHOUT REVERSIBLE METAPHYSEAL DYSPLASIA; APS I. Identifiers: Orphanet 3453, MedGen C0085859, MONDO:0009411, OMIM 240300.
Inborn genetic diseases. Identifiers: MedGen C0950123, MeSH D030342.

Allele frequency attached by ClinVar (database versions not stated): gnomAD 0.00001; gnomAD exomes 0.00001; TOPMed 0.00001; ExAC 0.00002.
gnomAD v4.1: 13 of 1,611,436 alleles (0.00081%); highest among the groups gnomAD compares: Non-Finnish European, 0.00017%; no homozygotes.

Submissions (2):

Labcorp Genetics (formerly Invitae), Labcorp
Classification: Uncertain significance for Polyglandular autoimmune syndrome, type 1. Last evaluated: 2023-12-15. Review status: criteria provided, single submitter. Criteria: Invitae Variant Classification Sherloc (09022015). Collection method: clinical testing. Allele origin: germline.
Comment: This sequence change replaces glutamic acid, which is acidic and polar, with lysine, which is basic and polar, at codon 207 of the AIRE protein (p.Glu207Lys). This variant is present in population databases (rs745459635, gnomAD 0.05%). This variant has not been reported in the literature in individuals affected with AIRE-related conditions. ClinVar contains an entry for this variant (Variation ID: 2267502). Advanced modeling of protein sequence and biophysical properties (such as structural, functional, and spatial information, amino acid conservation, physicochemical variation, residue mobility, and thermodynamic stability) has been performed at Invitae for this missense variant, however the output from this modeling did not meet the statistical confidence thresholds required to predict the impact of this variant on AIRE protein function. In summary, the available evidence is currently insufficient to determine the role of this variant in disease. Therefore, it has been classified as a Variant of Uncertain Significance.

Ambry Genetics
Classification: Uncertain significance for Inborn genetic diseases. Last evaluated: 2021-12-15. Review status: criteria provided, single submitter. Criteria: Ambry Variant Classification Scheme 2023. Collection method: clinical testing. Allele origin: germline.